The following is an entry in ClinVar:

NM_182978.4(GNAL):c.1031+6A>T

Gene: GNAL (G protein subunit alpha L; plus strand). Cytogenetic location: 18p11.21.
Variant type: single nucleotide variant.
Coding change: c.1031+6A>T on transcript NM_182978.4 (MANE Select); 6 bases into the intron after coding-DNA position 1031, A replaced by T.
Molecular consequence: intron variant.
Genome position (GRCh38, 1-based): chr18:11,868,669, A>T. VCF-style: chr18-11868669-A-T. GRCh37 (hg19) VCF-style: chr18-11868668-A-T.
Other names: c.800+6A>T (NM_001261443.2, NM_001142339.3, NM_001369387.1); c.179+6A>T (NM_001261444.2).
Identifiers: ClinVar variation 1053406 (VCV001053406.7), dbSNP rs1353010875, ClinGen allele CA628218785.

ClinVar aggregate classification (germline): Uncertain significance (1 of 4 stars; one submission).

Conditions:
Dystonic disorder. Also called: Dystonia. Identifiers: MedGen C0013421, MONDO:0003441, HP:0001332.

Allele frequency attached by ClinVar (database versions not stated): gnomAD exomes below 0.00001.
gnomAD v4.1: 4 of 1,598,666 alleles (0.00025%); highest among the groups gnomAD compares: Non-Finnish European, 0.00034%; no homozygotes.

Submission:

Labcorp Genetics (formerly Invitae), Labcorp
Classification: Uncertain significance for Dystonic disorder. Last evaluated: 2021-01-07. Review status: criteria provided, single submitter. Criteria: Invitae Variant Classification Sherloc (09022015). Collection method: clinical testing. Allele origin: germline.
Comment: This variant is not present in population databases (ExAC no frequency). This sequence change falls in intron 10 of the GNAL gene. It does not directly change the encoded amino acid sequence of the GNAL protein, but it affects a nucleotide within the consensus splice site of the intron. This variant has not been reported in the literature in individuals with GNAL-related conditions. Nucleotide substitutions within the consensus splice site are a relatively common cause of aberrant splicing (PMID: 17576681, 9536098). Algorithms developed to predict the effect of sequence changes on RNA splicing suggest that this variant is not likely to affect RNA splicing, but this prediction has not been confirmed by published transcriptional studies. In summary, the available evidence is currently insufficient to determine the role of this variant in disease. Therefore, it has been classified as a Variant of Uncertain Significance.

Literature cited by the submitters: PubMed 17576681; PubMed 9536098.